The following is an entry in ClinVar:

NM_006009.4(TUBA1A):c.250C>A (p.Arg84Ser)

Gene: TUBA1A (tubulin alpha 1a; minus strand). Cytogenetic location: 12q13.12.
Variant type: single nucleotide variant.
Coding change: c.250C>A on transcript NM_006009.4 (MANE Select); coding-DNA position 250, C replaced by A.
Protein change: p.Arg84Ser; replaces arginine 84 with serine.
Molecular consequence: missense variant.
Genome position (GRCh38, 1-based): chr12:49,186,435, G>T on the plus strand (C>A on the coding strand, the complement: TUBA1A is on the minus strand). VCF-style: chr12-49186435-G-T. GRCh37 (hg19) VCF-style: chr12-49580218-G-T.
Other names: c.250C>A, p.Arg84Ser (NM_001270399.2); c.145C>A, p.Arg49Ser (NM_001270400.2); short protein forms R84S, R49S.
Identifiers: ClinVar variation 2717729 (VCV002717729.3), dbSNP rs2498862576, ClinGen allele CA384643662.

ClinVar aggregate classification (germline): Uncertain significance (1 of 4 stars; one submission).

Submission:

Labcorp Genetics (formerly Invitae), Labcorp
Classification: Uncertain significance. Last evaluated: 2023-10-03. Review status: criteria provided, single submitter. Criteria: Invitae Variant Classification Sherloc (09022015). Collection method: clinical testing. Allele origin: germline.
Comment: This sequence change replaces arginine, which is basic and polar, with serine, which is neutral and polar, at codon 84 of the TUBA1A protein (p.Arg84Ser). This variant is not present in population databases (gnomAD no frequency). This variant has not been reported in the literature in individuals affected with TUBA1A-related conditions. Advanced modeling of protein sequence and biophysical properties (such as structural, functional, and spatial information, amino acid conservation, physicochemical variation, residue mobility, and thermodynamic stability) performed at Invitae indicates that this missense variant is not expected to disrupt TUBA1A protein function. In summary, the available evidence is currently insufficient to determine the role of this variant in disease. Therefore, it has been classified as a Variant of Uncertain Significance.